The following is an entry in ClinVar:

ClinVar aggregate classification (germline): Benign. Review status: criteria provided, multiple submitters, no conflicts (2 of 4 stars). 2 submissions from 2 submitters: Benign (2). Last evaluated 2018-06-14.

Allele frequency attached by ClinVar (database versions not stated): gnomAD 0.08942 and 0.08943; TOPMed 0.09252; 1000 Genomes Project 30x 0.09407; 1000 Genomes Project 0.09589.
gnomAD v4.1: 9,951 of 111,578 alleles (8.9%); highest among the groups gnomAD compares: Middle Eastern, 15%; 374 homozygotes.

Submissions (2):

GeneDx
Classification: Benign. Last evaluated: 2018-06-14. Review status: criteria provided, single submitter. Criteria: GeneDx Variant Classification (06012015). Collection method: clinical testing. Allele origin: germline. Affected: yes.
Comment: This variant is considered likely benign or benign based on one or more of the following criteria: it is a conservative change, it occurs at a poorly conserved position in the protein, it is predicted to be benign by multiple in silico algorithms, and/or has population frequency not consistent with disease.

Breakthrough Genomics
Classification: Benign. Review status: criteria provided, single submitter. Criteria: ACMG Guidelines, 2015. Collection method: not provided. Allele origin: germline. Inheritance: X-linked inheritance. Affected: yes.

NM_006579.3(EBP):c.301+154C>T

Gene: EBP (EBP cholestenol delta-isomerase; plus strand). Cytogenetic location: Xp11.23.
Variant type: single nucleotide variant.
Coding change: c.301+154C>T on transcript NM_006579.3 (MANE Select); 154 bases into the intron after coding-DNA position 301, C replaced by T.
Molecular consequence: intron variant.
Genome position (GRCh38, 1-based): chrX:48,524,226, C>T. VCF-style: chrX-48524226-C-T. GRCh37 (hg19) VCF-style: chrX-48382614-C-T.
Identifiers: ClinVar variation 680623 (VCV000680623.2), dbSNP rs113786538, ClinGen allele CA329072702.